The following is an entry in ClinVar:

ClinVar aggregate classification (germline): Uncertain significance (1 of 4 stars; one submission).

Conditions:
Hereditary diffuse gastric adenocarcinoma (HDGC). Also called: DIFFUSE GASTRIC AND LOBULAR BREAST CANCER SYNDROME. Identifiers: Orphanet 26106, MedGen C1708349, MONDO:0007648, OMIM 137215.

Submission:

Labcorp Genetics (formerly Invitae), Labcorp
Classification: Uncertain significance for Hereditary diffuse gastric adenocarcinoma. Last evaluated: 2021-08-01. Review status: criteria provided, single submitter. Criteria: Invitae Variant Classification Sherloc (09022015). Collection method: clinical testing. Allele origin: germline.
Comment: In summary, the available evidence is currently insufficient to determine the role of this variant in disease. Therefore, it has been classified as a Variant of Uncertain Significance. Algorithms developed to predict the effect of missense changes on protein structure and function are either unavailable or do not agree on the potential impact of this missense change (SIFT: "Tolerated"; PolyPhen-2: "Possibly Damaging"; Align-GVGD: "Class C15"). This variant has not been reported in the literature in individuals affected with CDH1-related conditions. This variant is not present in population databases (ExAC no frequency). This sequence change replaces serine with arginine at codon 559 of the CDH1 protein (p.Ser559Arg). The serine residue is moderately conserved and there is a moderate physicochemical difference between serine and arginine.

NM_004360.5(CDH1):c.1677C>G (p.Ser559Arg)

Gene: CDH1 (cadherin 1; plus strand). Cytogenetic location: 16q22.1.
Variant type: single nucleotide variant.
Coding change: c.1677C>G on transcript NM_004360.5 (MANE Select); coding-DNA position 1677, C replaced by G.
Protein change: p.Ser559Arg; replaces serine 559 with arginine.
Molecular consequence: missense variant. On other transcripts: intron variant (1).
Genome position (GRCh38, 1-based): chr16:68,819,391, C>G. VCF-style: chr16-68819391-C-G. GRCh37 (hg19) VCF-style: chr16-68853294-C-G.
Other names: c.1494C>G, p.Ser498Arg (NM_001317184.2); c.129C>G, p.Ser43Arg (NM_001317185.2); c.-254-2610C>G (NM_001317186.2); short protein forms S498R, S43R, S559R.
Identifiers: ClinVar variation 1450661 (VCV001450661.6), dbSNP rs2152136962, ClinGen allele CA396465341.